The following is an entry in ClinVar:

ClinVar aggregate classification (germline): Pathogenic (1 of 4 stars; one submission).

Conditions:
Syndromic multisystem autoimmune disease due to ITCH deficiency. Also called: AUTOIMMUNE DISEASE, MULTISYSTEM, WITH FACIAL DYSMORPHISM. Identifiers: Orphanet 228426, MedGen C3150649, MONDO:0013245, OMIM 613385.

Submission:

Labcorp Genetics (formerly Invitae), Labcorp
Classification: Pathogenic for Syndromic multisystem autoimmune disease due to ITCH deficiency. Last evaluated: 2025-11-17. Review status: criteria provided, single submitter. Criteria: Invitae Variant Classification Sherloc (09022015). Collection method: clinical testing. Allele origin: germline.
Comment: This sequence change creates a premature translational stop signal (p.Lys126Asnfs*9) in the ITCH gene. It is expected to result in an absent or disrupted protein product. Loss-of-function variants in ITCH are known to be pathogenic (PMID: 20170897). This variant is not present in population databases (gnomAD no frequency). This variant has not been reported in the literature in individuals affected with ITCH-related conditions. ClinVar contains an entry for this variant (Variation ID: 2765211). For these reasons, this variant has been classified as Pathogenic.

Literature cited by the submitters: PubMed 20170897.

NM_031483.7(ITCH):c.378_394del (p.Lys126fs)

Gene: ITCH (itchy E3 ubiquitin protein ligase; plus strand). Cytogenetic location: 20q11.22.
Variant type: Deletion.
Coding change: c.378_394del on transcript NM_031483.7 (MANE Select); coding-DNA positions 378 to 394, 17 bases deleted (AGAGCCAACAGAGACAA).
Protein change: p.Lys126fs; shifts the reading frame from lysine 126.
Molecular consequence: frameshift variant.
Genome position (GRCh38, 1-based): chr20:34,413,782-34,413,798, AGAGCCAACAGAGACAA deleted; deleting any 17 consecutive bases within chr20:34,413,777-34,413,798 gives the same sequence; the c. name uses the placement nearest the transcript's 3' end. VCF-style (leftmost placement, unchanged base first): chr20-34413776-TGACAAAGAGCCAACAGA-T. GRCh37 (hg19) VCF-style: chr20-33001582-TGACAAAGAGCCAACAGA-T.
Other names: c.378_394del, p.Lys126fs (NM_001257137.3, NM_001324197.2, NM_001324198.2); c.48_64del, p.Lys16fs (NM_001257138.3); short protein forms K16fs, K126fs.
Identifiers: ClinVar variation 2765211 (VCV002765211.3), dbSNP rs2515548244, ClinGen allele CA2697547354.